The following is an entry in ClinVar:

ClinVar aggregate classification (germline): Uncertain significance (1 of 4 stars; one submission).

Conditions:
Dilated cardiomyopathy 1G (CMD1G). Identifiers: Orphanet 154, MedGen C1858763, MONDO:0011400, OMIM 604145.
Autosomal recessive limb-girdle muscular dystrophy type 2J (LGMDR10). Also called: Limb-girdle muscular dystrophy, type 2J; MUSCULAR DYSTROPHY, LIMB-GIRDLE, AUTOSOMAL RECESSIVE 10. Identifiers: Orphanet 140922, MedGen C1837342, MONDO:0012127, OMIM 608807.

gnomAD v4.1: 1 of 1,440,994 alleles (0.000069%); highest among the groups gnomAD compares: African/African-American, 0.0014%; no homozygotes.

Submission:

Labcorp Genetics (formerly Invitae), Labcorp
Classification: Uncertain significance for Dilated cardiomyopathy 1G; Autosomal recessive limb-girdle muscular dystrophy type 2J. Last evaluated: 2024-03-21. Review status: criteria provided, single submitter. Criteria: Invitae Variant Classification Sherloc (09022015). Collection method: clinical testing. Allele origin: germline.
Comment: This sequence change falls in intron 114 of the TTN gene. It does not directly change the encoded amino acid sequence of the TTN protein. It affects a nucleotide within the consensus splice site. This variant is not present in population databases (gnomAD no frequency). This variant has not been reported in the literature in individuals affected with TTN-related conditions. Experimental studies and prediction algorithms are not available or were not evaluated, and the functional significance of this variant is currently unknown. Variants that disrupt the consensus splice site are a relatively common cause of aberrant splicing (PMID: 17576681, 9536098). Algorithms developed to predict the effect of sequence changes on RNA splicing suggest that this variant is not likely to affect RNA splicing. This variant is located in the I band of TTN (PMID: 25589632). Variants in this region may be clinically relevant, but have not been definitively shown to cause cardiomyopathy or neuromuscular disease (PMID: 27493940, 32778822). In summary, the available evidence is currently insufficient to determine the role of this variant in disease. Therefore, it has been classified as a Variant of Uncertain Significance.

Literature cited by the submitters: PubMed 17576681; PubMed 9536098; PubMed 25589632; PubMed 27493940; PubMed 32778822.

NM_001267550.2(TTN):c.31207+5G>C

Gene: TTN (titin; minus strand). Cytogenetic location: 2q31.2.
Variant type: single nucleotide variant.
Coding change: c.31207+5G>C on transcript NM_001267550.2 (MANE Select); 5 bases into the intron after coding-DNA position 31207, G replaced by C.
Molecular consequence: intron variant.
Genome position (GRCh38, 1-based): chr2:178,695,860, C>G on the plus strand (G>C on the coding strand, the complement: TTN is on the minus strand). VCF-style: chr2-178695860-C-G. GRCh37 (hg19) VCF-style: chr2-179560587-C-G.
Other names: c.13282+42222G>C (NM_003319.4); c.13858+42222G>C (NM_133437.4); c.13657+42222G>C (NM_133432.3); c.27475+5G>C (NM_133378.4); c.30256+5G>C (NM_001256850.1).
Identifiers: ClinVar variation 2935681 (VCV002935681.3), dbSNP rs876658051, ClinGen allele CA1039715467.